The following is an entry in ClinVar:

NM_053025.4(MYLK):c.3277_3278del (p.Ser1093fs)

Gene: MYLK (myosin light chain kinase; minus strand). Cytogenetic location: 3q21.1.
Variant type: Microsatellite.
Coding change: c.3277_3278del on transcript NM_053025.4 (MANE Select); coding-DNA positions 3277 to 3278, 2 bases deleted (AG; older notation c.3277_3278delAG).
Protein change: p.Ser1093fs; shifts the reading frame from serine 1093.
Molecular consequence: frameshift variant.
Genome position (GRCh38, 1-based): chr3:123,700,190-123,700,191, CT deleted on the plus strand (AG on the coding strand, the reverse complement: MYLK is on the minus strand); deleting any 2 consecutive bases within chr3:123,700,190-123,700,195 gives the same sequence; the c. name uses the placement nearest the transcript's 3' end. VCF-style (leftmost placement, unchanged base first): chr3-123700189-GCT-G. GRCh37 (hg19) VCF-style: chr3-123419036-GCT-G.
Other names: c.3070_3071del, p.Ser1024fs (NM_053028.4, NM_053026.4); c.2749_2750del, p.Ser917fs (NM_001321309.2); c.3277_3278del, p.Ser1093fs (NM_053027.4); short protein forms S1024fs, S1093fs, S917fs.
Identifiers: ClinVar variation 520008 (VCV000520008.5), dbSNP rs1553803217, ClinGen allele CA658796359.

ClinVar aggregate classification (germline): Uncertain significance (1 of 4 stars; one submission).

Conditions:
Familial thoracic aortic aneurysm and aortic dissection (TAAD). Also called: Thoracic aortic aneurysms and dissections. Identifiers: Orphanet 91387, MedGen C4707243, MONDO:0019625.

Submission:

Ambry Genetics
Classification: Uncertain significance for Familial thoracic aortic aneurysm and aortic dissection. Last evaluated: 2017-04-12. Review status: criteria provided, single submitter. Criteria: Ambry Variant Classification Scheme 2023. Collection method: clinical testing. Allele origin: germline.
Comment: The c.3277_3278delAG variant, located in coding exon 15 of the MYLK gene, results from a deletion of two nucleotides at nucleotide positions 3277 to 3278, causing a translational frameshift with a predicted alternate stop codon (p.S1093Pfs*31). This alteration is expected to result in loss of function by premature protein truncation or nonsense-mediated mRNA decay. Although loss of function alterations in MYLK have been associated with thoracic aortic aneurysms and dissections (TAAD) in two studies (Wang L et al. Am J Hum Genet. 2010;87(5):701-7; Hannuksela M et al. BMC Med Genet. 2016;17(1):61), loss of function of MYLK has not been clearly established as a mechanism of disease. Since supporting evidence is limited at this time, the clinical significance of this alteration remains unclear.

Literature cited by the submitters: PubMed 21055718; PubMed 27586135.